The following is an entry in ClinVar:

NM_000214.3(JAG1):c.1160G>A (p.Gly387Asp)

Gene: JAG1 (jagged canonical Notch ligand 1; minus strand). Cytogenetic location: 20p12.2.
Variant type: single nucleotide variant.
Coding change: c.1160G>A on transcript NM_000214.3 (MANE Select); coding-DNA position 1160, G replaced by A.
Protein change: p.Gly387Asp; replaces glycine 387 with aspartic acid.
Molecular consequence: missense variant.
Genome position (GRCh38, 1-based): chr20:10,650,321, C>T on the plus strand (G>A on the coding strand, the complement: JAG1 is on the minus strand). VCF-style: chr20-10650321-C-T. GRCh37 (hg19) VCF-style: chr20-10630969-C-T.
Other names: short protein forms G387D.
Identifiers: ClinVar variation 2770980 (VCV002770980.3), dbSNP rs1376630188, ClinGen allele CA408238528.

ClinVar aggregate classification (germline): Uncertain significance (1 of 4 stars; one submission).

Conditions:
Alagille syndrome due to a JAG1 point mutation. Also called: HEPATIC DUCTULAR HYPOPLASIA, SYNDROMATIC; JAG1-Related Alagille Syndrome; Alagille Syndrome 1. Identifiers: Orphanet 261619, Orphanet 52, MedGen C1956125, MONDO:0016862, OMIM 118450.

Submission:

Labcorp Genetics (formerly Invitae), Labcorp
Classification: Uncertain significance for Alagille syndrome due to a JAG1 point mutation. Last evaluated: 2023-11-17. Review status: criteria provided, single submitter. Criteria: Invitae Variant Classification Sherloc (09022015). Collection method: clinical testing. Allele origin: germline.
Comment: This sequence change replaces glycine, which is neutral and non-polar, with aspartic acid, which is acidic and polar, at codon 387 of the JAG1 protein (p.Gly387Asp). This variant is not present in population databases (gnomAD no frequency). This variant has not been reported in the literature in individuals affected with JAG1-related conditions. Advanced modeling of protein sequence and biophysical properties (such as structural, functional, and spatial information, amino acid conservation, physicochemical variation, residue mobility, and thermodynamic stability) performed at Invitae indicates that this missense variant is expected to disrupt JAG1 protein function with a positive predictive value of 80%. In summary, the available evidence is currently insufficient to determine the role of this variant in disease. Therefore, it has been classified as a Variant of Uncertain Significance.